The following is an entry in ClinVar:

ClinVar aggregate classification (germline): Uncertain significance (1 of 4 stars; one submission).

Conditions:
Cardiovascular phenotype. Identifiers: MedGen CN230736.

gnomAD v4.1: 1 of 1,613,944 alleles (0.000062%); highest among the groups gnomAD compares: African/African-American, 0.0013%; no homozygotes.

Submission:

Ambry Genetics
Classification: Uncertain significance for Cardiovascular phenotype. Last evaluated: 2025-08-12. Review status: criteria provided, single submitter. Criteria: Ambry Variant Classification Scheme 2023. Collection method: clinical testing. Allele origin: germline.
Comment: The p.L952P variant (also known as c.2855T>C), located in coding exon 19 of the TRPM4 gene, results from a T to C substitution at nucleotide position 2855. The leucine at codon 952 is replaced by proline, an amino acid with similar properties. This amino acid position is conserved. In addition, this alteration is predicted to be deleterious by in silico analysis. Based on the available evidence, the clinical significance of this variant remains unclear.

NM_017636.4(TRPM4):c.2855T>C (p.Leu952Pro)

Gene: TRPM4 (transient receptor potential cation channel subfamily M member 4; plus strand). Cytogenetic location: 19q13.33.
Variant type: single nucleotide variant.
Coding change: c.2855T>C on transcript NM_017636.4 (MANE Select); coding-DNA position 2855, T replaced by C.
Protein change: p.Leu952Pro; replaces leucine 952 with proline.
Molecular consequence: missense variant.
Genome position (GRCh38, 1-based): chr19:49,200,687, T>C. VCF-style: chr19-49200687-T-C. GRCh37 (hg19) VCF-style: chr19-49703944-T-C.
Other names: c.2420T>C, p.Leu807Pro (NM_001195227.2); c.2510T>C, p.Leu837Pro (NM_001321281.2); c.1247T>C, p.Leu416Pro (NM_001321282.2); c.2333T>C, p.Leu778Pro (NM_001321283.2); c.1793T>C, p.Leu598Pro (NM_001321285.2); short protein forms L778P, L837P, L416P, L598P, L952P, L807P.
Identifiers: ClinVar variation 4191761 (VCV004191761.1).